The following is an entry in ClinVar:

NM_003107.3(SOX4):c.335C>T (p.Ala112Val)

Gene: SOX4 (SRY-box transcription factor 4; plus strand). Cytogenetic location: 6p22.3.
Variant type: single nucleotide variant.
Coding change: c.335C>T on transcript NM_003107.3 (MANE Select); coding-DNA position 335, C replaced by T.
Protein change: p.Ala112Val; replaces alanine 112 with valine.
Molecular consequence: missense variant.
Genome position (GRCh38, 1-based): chr6:21,594,869, C>T. VCF-style: chr6-21594869-C-T. GRCh37 (hg19) VCF-style: chr6-21595100-C-T.
Other names: short protein forms A112V.
Identifiers: ClinVar variation 3167781 (VCV003167781.2), dbSNP rs2532639461, ClinGen allele CA363270105.

ClinVar aggregate classification (germline): Conflicting classifications of pathogenicity. Review status: criteria provided, conflicting classifications (1 of 4 stars). 2 submissions from 2 submitters: Likely pathogenic (1); Uncertain significance (1). Last evaluated 2024-11-18.

Conditions:
Inborn genetic diseases. Identifiers: MedGen C0950123, MeSH D030342.

Submissions (2):

GeneDx
Classification: Likely pathogenic. Last evaluated: 2024-11-18. Review status: criteria provided, single submitter. Criteria: GeneDx Variant Classification Process June 2021. Collection method: clinical testing. Allele origin: germline. Affected: yes.
Comment: Published functional studies demonstrate a damaging effect on protein stability, DNA binding, and transactivation (PMID: 35232796); Not observed at significant frequency in large population cohorts (gnomAD); In silico analysis supports that this missense variant has a deleterious effect on protein structure/function; This variant is associated with the following publications: (PMID: 38397148, 35232796)

Ambry Genetics
Classification: Uncertain significance for Inborn genetic diseases. Last evaluated: 2024-01-24. Review status: criteria provided, single submitter. Criteria: Ambry Variant Classification Scheme 2023. Collection method: clinical testing. Allele origin: germline.
Comment: The c.335C>T (p.A112V) alteration is located in exon 1 (coding exon 1) of the SOX4 gene. This alteration results from a C to T substitution at nucleotide position 335, causing the alanine (A) at amino acid position 112 to be replaced by a valine (V). This variant was not reported in population-based cohorts in the Genome Aggregation Database (gnomAD). This variant has been reported heterozygous in one individual with clinical features consistent with SOX4-related neurodevelopmental disorder (Angelozzi, 2022). Two other alterations at the same codon, c.334G>C (p.A112P) and c.335C>G (p.A112G), have been described in a neurodevelopmental cohort (Zawerton, 2019; Angelozzi, 2022). This amino acid position is highly conserved in available vertebrate species. This alteration is predicted to be deleterious by in silico analysis. Based on insufficient or conflicting evidence, the clinical significance of this alteration remains unclear.

Literature cited by the submitters: PubMed 30661772 (cited by Ambry Genetics); PubMed 35232796 (cited by Ambry Genetics).